The following is an entry in ClinVar:

NM_020928.2(ZSWIM6):c.1289G>A (p.Gly430Asp)

Gene: ZSWIM6 (zinc finger SWIM-type containing 6; plus strand). Cytogenetic location: 5q12.1.
Variant type: single nucleotide variant.
Coding change: c.1289G>A on transcript NM_020928.2 (MANE Select); coding-DNA position 1289, G replaced by A.
Protein change: p.Gly430Asp; replaces glycine 430 with aspartic acid.
Molecular consequence: missense variant.
Genome position (GRCh38, 1-based): chr5:61,494,366, G>A. VCF-style: chr5-61494366-G-A. GRCh37 (hg19) VCF-style: chr5-60790193-G-A.
Other names: short protein forms G430D.
Identifiers: ClinVar variation 3676556 (VCV003676556.2).

ClinVar aggregate classification (germline): Uncertain significance (1 of 4 stars; one submission).

Submission:

Labcorp Genetics (formerly Invitae), Labcorp
Classification: Uncertain significance. Last evaluated: 2024-05-18. Review status: criteria provided, single submitter. Criteria: Invitae Variant Classification Sherloc (09022015). Collection method: clinical testing. Allele origin: germline.
Comment: This sequence change replaces glycine, which is neutral and non-polar, with aspartic acid, which is acidic and polar, at codon 430 of the ZSWIM6 protein (p.Gly430Asp). This variant is not present in population databases (gnomAD no frequency). This variant has not been reported in the literature in individuals affected with ZSWIM6-related conditions. Advanced modeling of protein sequence and biophysical properties (such as structural, functional, and spatial information, amino acid conservation, physicochemical variation, residue mobility, and thermodynamic stability) performed at Invitae indicates that this missense variant is not expected to disrupt ZSWIM6 protein function with a negative predictive value of 80%. In summary, the available evidence is currently insufficient to determine the role of this variant in disease. Therefore, it has been classified as a Variant of Uncertain Significance.